The following is an entry in ClinVar:

NM_001292034.3(TAB2):c.1040G>A (p.Arg347Gln)

Genes: TAB2 (TGF-beta activated kinase 1 (MAP3K7) binding protein 2; plus strand), LOC126859827 (BRD4-independent group 4 enhancer GRCh37_chr6:149699707-149700906; plus strand). Cytogenetic location: 6q25.1.
Variant type: single nucleotide variant.
Coding change: c.1040G>A on transcript NM_001292034.3 (MANE Select); coding-DNA position 1040, G replaced by A.
Protein change: p.Arg347Gln; replaces arginine 347 with glutamine.
Molecular consequence: missense variant.
Genome position (GRCh38, 1-based): chr6:149,378,955, G>A. VCF-style: chr6-149378955-G-A. GRCh37 (hg19) VCF-style: chr6-149700091-G-A.
Other names: c.944G>A, p.Arg315Gln (NM_001292035.3); c.1040G>A, p.Arg347Gln (NM_001369506.1, NM_015093.6); c.1040G>A (NM_015093.4); short protein forms R315Q, R347Q.
Identifiers: ClinVar variation 2993645 (VCV002993645.4), dbSNP rs186425177, ClinGen allele CA4041475.

ClinVar aggregate classification (germline): Conflicting classifications of pathogenicity. Review status: criteria provided, conflicting classifications (1 of 4 stars). 4 submissions from 4 submitters: Uncertain significance (3); Likely benign (1). Last evaluated 2025-09-11.

Conditions:
Inborn genetic diseases. Identifiers: MedGen C0950123, MeSH D030342.

Allele frequency attached by ClinVar (database versions not stated): gnomAD exomes below 0.00001; TOPMed below 0.00001; ExAC 0.00001; gnomAD 0.00001; 1000 Genomes Project 30x 0.00016; 1000 Genomes Project 0.00020.
gnomAD v4.1: 8 of 1,614,086 alleles (0.0005%); highest among the groups gnomAD compares: Admixed American, 0.0067%; no homozygotes.

Submissions (4):

Ambry Genetics
Classification: Uncertain significance for Inborn genetic diseases. Last evaluated: 2025-09-11. Review status: criteria provided, single submitter. Criteria: Ambry Variant Classification Scheme 2023. Collection method: clinical testing. Allele origin: germline.

GeneDx
Classification: Uncertain significance. Last evaluated: 2024-05-02. Review status: criteria provided, single submitter. Criteria: GeneDx Variant Classification Process June 2021. Collection method: clinical testing. Allele origin: germline. Affected: yes.
Comment: Not observed at significant frequency in large population cohorts (gnomAD); In silico analysis indicates that this missense variant does not alter protein structure/function; Has not been previously published as pathogenic or benign to our knowledge

Labcorp Genetics (formerly Invitae), Labcorp
Classification: Uncertain significance. Last evaluated: 2023-01-18. Review status: criteria provided, single submitter. Criteria: Invitae Variant Classification Sherloc (09022015). Collection method: clinical testing. Allele origin: germline.
Comment: In summary, the available evidence is currently insufficient to determine the role of this variant in disease. Therefore, it has been classified as a Variant of Uncertain Significance. Advanced modeling of protein sequence and biophysical properties (such as structural, functional, and spatial information, amino acid conservation, physicochemical variation, residue mobility, and thermodynamic stability) performed at Invitae indicates that this missense variant is not expected to disrupt TAB2 protein function. This variant has not been reported in the literature in individuals affected with TAB2-related conditions. This variant is present in population databases (rs186425177, gnomAD 0.01%). This sequence change replaces arginine, which is basic and polar, with glutamine, which is neutral and polar, at codon 347 of the TAB2 protein (p.Arg347Gln).

Blueprint Genetics
Classification: Likely benign. Last evaluated: 2021-12-27. Review status: criteria provided, single submitter. Criteria: ACMG Guidelines, 2015. Collection method: clinical testing. Allele origin: germline.